The following is an entry in ClinVar:

NM_032608.7(MYO18B):c.2428A>G (p.Met810Val)

Gene: MYO18B (myosin XVIIIB; plus strand). Cytogenetic location: 22q12.1.
Variant type: single nucleotide variant.
Coding change: c.2428A>G on transcript NM_032608.7 (MANE Select); coding-DNA position 2428, A replaced by G.
Protein change: p.Met810Val; replaces methionine 810 with valine.
Molecular consequence: missense variant.
Genome position (GRCh38, 1-based): chr22:25,798,004, A>G. VCF-style: chr22-25798004-A-G. GRCh37 (hg19) VCF-style: chr22-26193971-A-G.
Other names: c.2428A>G, p.Met810Val (NM_001318245.2); short protein forms M810V.
Identifiers: ClinVar variation 4696030 (VCV004696030.1).

ClinVar aggregate classification (germline): Uncertain significance (1 of 4 stars; one submission).

gnomAD v4.1: 6 of 1,613,956 alleles (0.00037%); highest among the groups gnomAD compares: South Asian, 0.0055%; no homozygotes.

Submission:

Labcorp Genetics (formerly Invitae), Labcorp
Classification: Uncertain significance. Last evaluated: 2025-06-15. Review status: criteria provided, single submitter. Criteria: Invitae Variant Classification Sherloc (09022015). Collection method: clinical testing. Allele origin: germline.
Comment: This sequence change replaces methionine, which is neutral and non-polar, with valine, which is neutral and non-polar, at codon 810 of the MYO18B protein (p.Met810Val). This variant is present in population databases (rs756256936, gnomAD 0.006%). This variant has not been reported in the literature in individuals affected with MYO18B-related conditions. An algorithm developed to predict the effect of missense changes on protein structure and function (PolyPhen-2) suggests that this variant is likely to be tolerated. In summary, the available evidence is currently insufficient to determine the role of this variant in disease. Therefore, it has been classified as a Variant of Uncertain Significance.